The following is an entry in ClinVar:

ClinVar aggregate classification (germline): Uncertain significance (1 of 4 stars; one submission).

Conditions:
Cardiomyopathy (CMYO). Also called: Cardiomyopathies. Identifiers: Orphanet 167848, MedGen C0878544, MONDO:0004994, HP:0001638. Inheritance: Various modes of inheritance.

Submission:

Color Diagnostics, LLC DBA Color Health
Classification: Uncertain significance for Cardiomyopathy. Last evaluated: 2023-12-04. Review status: criteria provided, single submitter. Criteria: ACMG Guidelines, 2015. Collection method: clinical testing. Allele origin: germline.
Comment: This missense variant replaces lysine with glutamine at codon 96 of the PRKAG2 protein. Computational prediction tools and conservation analyses are inconclusive regarding the impact of this variant on the protein function. Computational splicing tools suggest that this variant may not impact RNA splicing. To our knowledge, functional assays have not been performed for this variant nor has this variant been reported in individuals affected with cardiovascular disorders in the literature. This variant has not been identified in the general population by the Genome Aggregation Database (gnomAD). Available evidence is insufficient to determine the role of this variant in disease conclusively. Therefore, this variant is classified as a Variant of Uncertain Significance.

NM_016203.4(PRKAG2):c.286A>C (p.Lys96Gln)

Gene: PRKAG2 (protein kinase AMP-activated non-catalytic subunit gamma 2; minus strand). Cytogenetic location: 7q36.1.
Variant type: single nucleotide variant.
Coding change: c.286A>C on transcript NM_016203.4 (MANE Select); coding-DNA position 286, A replaced by C.
Protein change: p.Lys96Gln; replaces lysine 96 with glutamine.
Molecular consequence: missense variant.
Genome position (GRCh38, 1-based): chr7:151,781,332, T>G on the plus strand (A>C on the coding strand, the complement: PRKAG2 is on the minus strand). VCF-style: chr7-151781332-T-G. GRCh37 (hg19) VCF-style: chr7-151478418-T-G.
Other names: c.154A>C, p.Lys52Gln (NM_001040633.2); short protein forms K96Q, K52Q.
Identifiers: ClinVar variation 924185 (VCV000924185.5), dbSNP rs2076656799, ClinGen allele CA370069751.
Genomic context (GRCh38, chr7:151,781,332, plus strand): 5'-GTGGCGGGGACTCCTGGTAGGAGAACGGGAACACGGTTTTGGGAGAGCCGGGGCTGGTCT[T>G]GGGCCTCACAGGTGCAGACATGGGGCTGGAGGGCCGGGGCTGGGGGCCTCTGGAGAAGAA-3'
Protein context (NP_057287.2, residues 86-106): SSPMSAPVRP[Lys96Gln]TSPGSPKTVF